The following is an entry in ClinVar:

ClinVar aggregate classification (germline): Likely pathogenic (1 of 4 stars; one submission).

Submission:

GeneDx
Classification: Likely pathogenic. Last evaluated: 2023-09-21. Review status: criteria provided, single submitter. Criteria: GeneDx Variant Classification Process June 2021. Collection method: clinical testing. Allele origin: germline. Affected: yes.
Comment: In silico analysis supports that this missense variant has a deleterious effect on protein structure/function; Not observed at significant frequency in large population cohorts (gnomAD); This variant is associated with the following publications: (PMID: 33176815, 35571021)

NM_005859.5(PURA):c.230T>A (p.Val77Glu)

Gene: PURA (purine rich element binding protein A; plus strand). Cytogenetic location: 5q31.3.
Variant type: single nucleotide variant.
Coding change: c.230T>A on transcript NM_005859.5 (MANE Select); coding-DNA position 230, T replaced by A.
Protein change: p.Val77Glu; replaces valine 77 with glutamic acid.
Molecular consequence: missense variant.
Genome position (GRCh38, 1-based): chr5:140,114,411, T>A. VCF-style: chr5-140114411-T-A. GRCh37 (hg19) VCF-style: chr5-139493996-T-A.
Other names: short protein forms V77E.
Identifiers: ClinVar variation 3343865 (VCV003343865.1).